The following is an entry in ClinVar:

ClinVar aggregate classification (germline): Uncertain significance (1 of 4 stars; one submission).

Conditions:
Glycogen storage disease due to muscle and heart glycogen synthase deficiency. Also called: GSD 0b; MUSCLE GLYCOGEN SYNTHASE DEFICIENCY. Identifiers: Orphanet 137625, MedGen C1969054, MONDO:0012693, OMIM 611556.

Allele frequency attached by ClinVar (database versions not stated): gnomAD 0.00001; TOPMed 0.00001.
gnomAD v4.1: 2 of 1,545,268 alleles (0.00013%); highest among the groups gnomAD compares: Non-Finnish European, 0.000087%; no homozygotes.

Submission:

Labcorp Genetics (formerly Invitae), Labcorp
Classification: Uncertain significance for Glycogen storage disease due to muscle and heart glycogen synthase deficiency. Last evaluated: 2021-09-29. Review status: criteria provided, single submitter. Criteria: Invitae Variant Classification Sherloc (09022015). Collection method: clinical testing. Allele origin: germline.
Comment: In summary, the available evidence is currently insufficient to determine the role of this variant in disease. Therefore, it has been classified as a Variant of Uncertain Significance. Algorithms developed to predict the effect of missense changes on protein structure and function (SIFT, PolyPhen-2, Align-GVGD) all suggest that this variant is likely to be tolerated. This variant has not been reported in the literature in individuals affected with GYS1-related conditions. This variant is not present in population databases (ExAC no frequency). This sequence change replaces arginine with histidine at codon 686 of the GYS1 protein (p.Arg686His). The arginine residue is moderately conserved and there is a small physicochemical difference between arginine and histidine.

NM_002103.5(GYS1):c.2057G>A (p.Arg686His)

Gene: GYS1 (glycogen synthase 1; minus strand). Cytogenetic location: 19q13.33.
Variant type: single nucleotide variant.
Coding change: c.2057G>A on transcript NM_002103.5 (MANE Select); coding-DNA position 2057, G replaced by A.
Protein change: p.Arg686His; replaces arginine 686 with histidine.
Molecular consequence: missense variant. On other transcripts: non-coding transcript variant (1).
Genome position (GRCh38, 1-based): chr19:48,969,445, C>T on the plus strand (G>A on the coding strand, the complement: GYS1 is on the minus strand). VCF-style: chr19-48969445-C-T. GRCh37 (hg19) VCF-style: chr19-49472702-C-T.
Other names: c.1865G>A, p.Arg622His (NM_001161587.2); short protein forms R686H, R622H.
Identifiers: ClinVar variation 1521793 (VCV001521793.6), dbSNP rs1049444314, ClinGen allele CA309381982.